The following is an entry in ClinVar:

ClinVar aggregate classification (germline): Uncertain significance (1 of 4 stars; one submission).

gnomAD v4.1: 2 of 1,614,226 alleles (0.00012%); highest among the groups gnomAD compares: Admixed American, 0.0017%; no homozygotes.

Submission:

Labcorp Genetics (formerly Invitae), Labcorp
Classification: Uncertain significance. Last evaluated: 2022-07-20. Review status: criteria provided, single submitter. Criteria: Invitae Variant Classification Sherloc (09022015). Collection method: clinical testing. Allele origin: germline.
Comment: This variant is present in population databases (rs754733249, gnomAD 0.003%). In summary, the available evidence is currently insufficient to determine the role of this variant in disease. Therefore, it has been classified as a Variant of Uncertain Significance. Advanced modeling of protein sequence and biophysical properties (such as structural, functional, and spatial information, amino acid conservation, physicochemical variation, residue mobility, and thermodynamic stability) performed at Invitae indicates that this missense variant is not expected to disrupt FLNB protein function. This variant has not been reported in the literature in individuals affected with FLNB-related conditions. This sequence change replaces threonine, which is neutral and polar, with asparagine, which is neutral and polar, at codon 709 of the FLNB protein (p.Thr709Asn).

NM_001457.4(FLNB):c.2126C>A (p.Thr709Asn)

Gene: FLNB (filamin B; plus strand). Cytogenetic location: 3p14.3.
Variant type: single nucleotide variant.
Coding change: c.2126C>A on transcript NM_001457.4 (MANE Select); coding-DNA position 2126, C replaced by A.
Protein change: p.Thr709Asn; replaces threonine 709 with asparagine.
Molecular consequence: missense variant.
Genome position (GRCh38, 1-based): chr3:58,109,249, C>A. VCF-style: chr3-58109249-C-A. GRCh37 (hg19) VCF-style: chr3-58094976-C-A.
Other names: c.2126C>A, p.Thr709Asn (NM_001164317.2, NM_001164318.2, NM_001164319.2); short protein forms T709N.
Identifiers: ClinVar variation 1720111 (VCV001720111.5), dbSNP rs754733249, ClinGen allele CA2468031.